The following is an entry in ClinVar:

NM_003850.3(SUCLA2):c.887A>C (p.Gln296Pro)

Gene: SUCLA2 (succinate-CoA ligase ADP-forming subunit beta; minus strand). Cytogenetic location: 13q14.2.
Variant type: single nucleotide variant.
Coding change: c.887A>C on transcript NM_003850.3 (MANE Select); coding-DNA position 887, A replaced by C.
Protein change: p.Gln296Pro; replaces glutamine 296 with proline.
Molecular consequence: missense variant.
Genome position (GRCh38, 1-based): chr13:47,954,473, T>G on the plus strand (A>C on the coding strand, the complement: SUCLA2 is on the minus strand). VCF-style: chr13-47954473-T-G. GRCh37 (hg19) VCF-style: chr13-48528608-T-G.
Other names: short protein forms Q296P.
Identifiers: ClinVar variation 1327813 (VCV001327813.2), dbSNP rs540693810, ClinGen allele CA388145646.
Genomic context (GRCh38, chr13:47,954,473, plus strand): 5'-CCATCGAGGCCAATGTAGTTGAGATTTGCCTTAGCAGCATCTTTGTCCCTTTCATCTTCC[T>G]GGGTCCAGTCCTGTAGATCAAAGATTTTCTTTTGGCGATAGGCTGAATTAGAGTCAAAAT-3'
Protein context (NP_003841.1, residues 286-306): KKIFDLQDWT[Gln296Pro]EDERDKDAAK

ClinVar aggregate classification (germline): Uncertain significance (1 of 4 stars; one submission).

gnomAD v4.1: 2 of 1,614,004 alleles (0.00012%); highest among the groups gnomAD compares: Admixed American, 0.0033%; no homozygotes.

Submission:

GeneDx
Classification: Uncertain significance. Last evaluated: 2021-06-07. Review status: criteria provided, single submitter. Criteria: GeneDx Variant Classification Process June 2021. Collection method: clinical testing. Allele origin: germline. Affected: yes.
Comment: This variant is associated with the following publications: (PMID: 27535533)